The following is an entry in ClinVar:

ClinVar aggregate classification (germline): Uncertain significance (1 of 4 stars; one submission).

gnomAD v4.1: 5 of 1,614,128 alleles (0.00031%); highest among the groups gnomAD compares: Non-Finnish European, 0.00042%; no homozygotes.

Submission:

Labcorp Genetics (formerly Invitae), Labcorp
Classification: Uncertain significance. Last evaluated: 2025-01-24. Review status: criteria provided, single submitter. Criteria: Invitae Variant Classification Sherloc (09022015). Collection method: clinical testing. Allele origin: germline.
Comment: This sequence change replaces valine, which is neutral and non-polar, with alanine, which is neutral and non-polar, at codon 483 of the PPARG protein (p.Val483Ala). This variant is not present in population databases (gnomAD no frequency). This variant has not been reported in the literature in individuals affected with PPARG-related conditions. Invitae Evidence Modeling of protein sequence and biophysical properties (such as structural, functional, and spatial information, amino acid conservation, physicochemical variation, residue mobility, and thermodynamic stability) indicates that this missense variant is not expected to disrupt PPARG protein function with a negative predictive value of 95%. In summary, the available evidence is currently insufficient to determine the role of this variant in disease. Therefore, it has been classified as a Variant of Uncertain Significance.

NM_138711.6(PPARG):c.1358T>C (p.Val453Ala)

Gene: PPARG (peroxisome proliferator activated receptor gamma; plus strand). Cytogenetic location: 3p25.2.
Variant type: single nucleotide variant.
Coding change: c.1358T>C on transcript NM_138711.6 (MANE Select); coding-DNA position 1358, T replaced by C.
Protein change: p.Val453Ala; replaces valine 453 with alanine.
Molecular consequence: missense variant. On other transcripts: 3 prime UTR variant (5).
Genome position (GRCh38, 1-based): chr3:12,434,075, T>C. VCF-style: chr3-12434075-T-C. GRCh37 (hg19) VCF-style: chr3-12475574-T-C.
Other names: c.*160T>C (NM_001330615.4, NM_001374261.3, NM_001374262.3 and 1 more transcripts); c.1358T>C, p.Val453Ala (NM_001354666.3, NM_001354667.3, NM_001374263.2 and 3 more transcripts); c.731T>C, p.Val244Ala (NM_001354669.2); c.*144T>C (NM_001374266.1); c.1448T>C, p.Val483Ala (NM_015869.5); short protein forms V244A, V453A, V483A.
Identifiers: ClinVar variation 3618903 (VCV003618903.2).
Genomic context (GRCh38, chr3:12,434,075, plus strand): 5'-TGCTCCAGAAAATGACAGACCTCAGACAGATTGTCACGGAACACGTGCAGCTACTGCAGG[T>C]GATCAAGAAGACGGAGACAGACATGAGTCTTCACCCGCTCCTGCAGGAGATCTACAAGGA-3'
Protein context (NP_619725.3, residues 443-463): IVTEHVQLLQ[Val453Ala]IKKTETDMSL